The following is an entry in ClinVar:

ClinVar aggregate classification (germline): Conflicting classifications of pathogenicity. Review status: criteria provided, conflicting classifications (1 of 4 stars). 5 submissions from 5 submitters: Pathogenic (3); Uncertain significance (1). 1 of the submissions does not count toward it. Last evaluated 2026-05-20.

Conditions:
Retinal dystrophy. Also called: Inherited retinal dystrophy. Identifiers: Orphanet 71862, MedGen C0854723, MeSH D058499, MONDO:0019118, HP:0000556.
Achromatopsia 2 (ACHM2). Also called: ROD MONOCHROMACY 2; ROD MONOCHROMATISM 2; COLORBLINDNESS, TOTAL. Identifiers: Orphanet 49382, MedGen C1857618, MONDO:0009003, OMIM 216900.

Allele frequency attached by ClinVar (database versions not stated): gnomAD exomes below 0.00001; ExAC 0.00001; gnomAD 0.00001.
gnomAD v4.1: 8 of 1,614,078 alleles (0.0005%); highest among the groups gnomAD compares: African/African-American, 0.0013%; no homozygotes.

Submissions (5):

Women's Health and Genetics/Laboratory Corporation of America, LabCorp
Classification: Pathogenic for Achromatopsia 2. Last evaluated: 2026-05-20. Review status: criteria provided, single submitter. Criteria: LabCorp Variant Classification Summary - May 2015. Collection method: clinical testing. Allele origin: germline.
Comment: Variant summary: CNGA3 c.1537G>A (p.Gly513Arg) results in a non-conservative amino acid change in the encoded protein sequence. Algorithms developed to predict the effect of missense changes on protein structure and function all suggest that this variant is likely to be disruptive. The variant allele was found at a frequency of 4e-06 in 250818 control chromosomes (gnomAD). c.1537G>A has been observed in individuals affected with Achromatopsia 2 (Solaki_2022, Hitti-Malin_2022, Kiel_2024). These data indicate that the variant may be associated with disease. A different variant affecting the same codon has been determined to be likely pathogenic/pathogenic (c.1538G>A, p.Gly513Glu), supporting the critical relevance of codon 513 to CNGA3 protein function. At least one publication reports experimental evidence evaluating an impact on protein function. The most pronounced variant effect results in <10% of normal channel activity (Solaki_2023). The following publications have been ascertained in the context of this evaluation (PMID: 35332618, 36259723, 37689994, 39462066). ClinVar contains an entry for this variant (Variation ID: 1056891). Based on the evidence outlined above, the variant was classified as pathogenic.

Labcorp Genetics (formerly Invitae), Labcorp
Classification: Pathogenic. Last evaluated: 2025-09-08. Review status: criteria provided, single submitter. Criteria: Invitae Variant Classification Sherloc (09022015). Collection method: clinical testing. Allele origin: germline.
Comment: This sequence change replaces glycine, which is neutral and non-polar, with arginine, which is basic and polar, at codon 513 of the CNGA3 protein (p.Gly513Arg). This variant is present in population databases (rs764918448, gnomAD 0.0009%). This missense change has been observed in individuals with clinical features of achromatopsia, cone-rod dystrophy, and/or Stargardt disease (PMID: 26992781, 36259723; internal data). ClinVar contains an entry for this variant (Variation ID: 1056891). Invitae Evidence Modeling of protein sequence and biophysical properties (such as structural, functional, and spatial information, amino acid conservation, physicochemical variation, residue mobility, and thermodynamic stability) indicates that this missense variant is expected to disrupt CNGA3 protein function with a positive predictive value of 95%. This variant disrupts the p.Gly513 amino acid residue in CNGA3. Other variant(s) that disrupt this residue have been determined to be pathogenic (PMID: 11536077, 17693388). This suggests that this residue is clinically significant, and that variants that disrupt this residue are likely to be disease-causing. For these reasons, this variant has been classified as Pathogenic.

Blueprint Genetics
Classification: Uncertain significance. Last evaluated: 2021-09-09. Review status: criteria provided, single submitter. Criteria: ACMG Guidelines, 2015. Collection method: clinical testing. Allele origin: germline.

Institute of Human Genetics, Univ. Regensburg, Univ. Regensburg
Classification: Pathogenic for Retinal dystrophy. Last evaluated: 2010-01-01. Review status: criteria provided, single submitter. Criteria: ACMG Guidelines, 2015. Collection method: clinical testing. Allele origin: germline. Affected: yes.

Molecular Genetics Laboratory, Institute for Ophthalmic Research
Classification: Likely pathogenic for Achromatopsia 2. Last evaluated: 2021-04-15. Review status: no assertion criteria provided. Collection method: research. Allele origin: germline. Affected: yes. Not counted in ClinVar's aggregate classification.

Literature cited by the submitters: PubMed 36259723 (cited by Women's Health and Genetics/Laboratory Corporation of America, LabCorp and Labcorp Genetics (formerly Invitae), Labcorp); PubMed 35332618 (cited by Women's Health and Genetics/Laboratory Corporation of America, LabCorp and Institute of Human Genetics, Univ. Regensburg, Univ. Regensburg); PubMed 37689994 (cited by Women's Health and Genetics/Laboratory Corporation of America, LabCorp); PubMed 39462066 (cited by Women's Health and Genetics/Laboratory Corporation of America, LabCorp); PubMed 26992781 (cited by Labcorp Genetics (formerly Invitae), Labcorp); PubMed 11536077 (cited by Labcorp Genetics (formerly Invitae), Labcorp); PubMed 17693388 (cited by Labcorp Genetics (formerly Invitae), Labcorp); PubMed 3625972 (cited by Institute of Human Genetics, Univ. Regensburg, Univ. Regensburg).

NM_001298.3(CNGA3):c.1537G>A (p.Gly513Arg)

Gene: CNGA3 (cyclic nucleotide gated channel subunit alpha 3; plus strand). Cytogenetic location: 2q11.2.
Variant type: single nucleotide variant.
Coding change: c.1537G>A on transcript NM_001298.3 (MANE Select); coding-DNA position 1537, G replaced by A.
Protein change: p.Gly513Arg; replaces glycine 513 with arginine.
Molecular consequence: missense variant.
Genome position (GRCh38, 1-based): chr2:98,396,707, G>A. VCF-style: chr2-98396707-G-A. GRCh37 (hg19) VCF-style: chr2-99013170-G-A.
Other names: c.1483G>A, p.Gly495Arg (NM_001079878.2); short protein forms G495R, G513R.
Identifiers: ClinVar variation 1056891 (VCV001056891.13), dbSNP rs764918448, ClinGen allele CA1794028.
Genomic context (GRCh38, chr2:98,396,707, plus strand): 5'-GAGCTGGTGCTGAAGCTGCGACCCACTGTGTTCAGCCCTGGGGATTATATCTGCAAGAAG[G>A]GAGATATTGGGAAGGAGATGTACATCATCAACGAGGGCAAGCTGGCCGTGGTGGCTGATG-3'
Protein context (NP_001289.1, residues 503-523): FSPGDYICKK[Gly513Arg]DIGKEMYIIN